The following is an entry in ClinVar:

NM_000059.4(BRCA2):c.9080T>C (p.Leu3027Ser)

Gene: BRCA2 (BRCA2 DNA repair associated; plus strand). Cytogenetic location: 13q13.1.
Variant type: single nucleotide variant.
Coding change: c.9080T>C on transcript NM_000059.4 (MANE Select); coding-DNA position 9080, T replaced by C.
Protein change: p.Leu3027Ser; replaces leucine 3027 with serine.
Molecular consequence: missense variant. On other transcripts: non-coding transcript variant (1).
Genome position (GRCh38, 1-based): chr13:32,379,876, T>C. VCF-style: chr13-32379876-T-C. GRCh37 (hg19) VCF-style: chr13-32954013-T-C.
Other names: c.8984T>C, p.Leu2995Ser (NM_001406719.1); c.9029T>C, p.Leu3010Ser (NM_001406720.1); c.4148T>C, p.Leu1383Ser (NM_001406721.1); c.2663T>C, p.Leu888Ser (NM_001406722.1); c.9080T>C, p.Leu3027Ser (NM_001432077.1); short protein forms L2995S, L3010S, L1383S, L3027S, L888S.
Identifiers: ClinVar variation 3679813 (VCV003679813.2).

ClinVar aggregate classification (germline): Uncertain significance (1 of 4 stars; one submission).

Conditions:
Hereditary breast ovarian cancer syndrome. Also called: Hereditary breast and ovarian cancer syndrome (HBOC); BRCA1- and BRCA2-Associated Hereditary Breast and Ovarian Cancer; Hereditary breast and/or ovarian cancer syndrome; Hereditary breast and ovarian cancer; Breast and ovarian cancer; Hereditary breast and ovarian cancer syndrome. Identifiers: Orphanet 145, MedGen C0677776, MeSH D061325, MONDO:0003582. Disease mechanism: loss of function.

Submission:

Labcorp Genetics (formerly Invitae), Labcorp
Classification: Uncertain significance for Hereditary breast ovarian cancer syndrome. Last evaluated: 2024-05-06. Review status: criteria provided, single submitter. Criteria: Invitae Variant Classification Sherloc (09022015). Collection method: clinical testing. Allele origin: germline.
Comment: This sequence change replaces leucine, which is neutral and non-polar, with serine, which is neutral and polar, at codon 3027 of the BRCA2 protein (p.Leu3027Ser). This variant is not present in population databases (gnomAD no frequency). This variant has not been reported in the literature in individuals affected with BRCA2-related conditions. Advanced modeling of protein sequence and biophysical properties (such as structural, functional, and spatial information, amino acid conservation, physicochemical variation, residue mobility, and thermodynamic stability) performed at Invitae indicates that this missense variant is not expected to disrupt BRCA2 protein function with a negative predictive value of 95%. Algorithms developed to predict the effect of sequence changes on RNA splicing suggest that this variant may create or strengthen a splice site. In summary, the available evidence is currently insufficient to determine the role of this variant in disease. Therefore, it has been classified as a Variant of Uncertain Significance.